The following is an entry in ClinVar:

ClinVar aggregate classification (germline): Uncertain significance (1 of 4 stars; one submission).

Submission:

GeneDx
Classification: Uncertain significance. Last evaluated: 2022-05-03. Review status: criteria provided, single submitter. Criteria: GeneDx Variant Classification Process June 2021. Collection method: clinical testing. Allele origin: germline. Affected: yes.
Comment: Not observed at significant frequency in large population cohorts (gnomAD); In silico analysis supports that this missense variant has a deleterious effect on protein structure/function; Has not been previously published as pathogenic or benign to our knowledge

NM_002547.3(OPHN1):c.513G>C (p.Arg171Ser)

Gene: OPHN1 (oligophrenin 1; minus strand). Cytogenetic location: Xq12.
Variant type: single nucleotide variant.
Coding change: c.513G>C on transcript NM_002547.3 (MANE Select); coding-DNA position 513, G replaced by C.
Protein change: p.Arg171Ser; replaces arginine 171 with serine.
Molecular consequence: missense variant.
Genome position (GRCh38, 1-based): chrX:68,213,946, C>G on the plus strand (G>C on the coding strand, the complement: OPHN1 is on the minus strand). VCF-style: chrX-68213946-C-G. GRCh37 (hg19) VCF-style: chrX-67433788-C-G.
Other names: short protein forms R171S.
Identifiers: ClinVar variation 1723019 (VCV001723019.2), dbSNP rs2519808092, ClinGen allele CA413434700.
Genomic context (GRCh38, chrX:68,213,946, plus strand): 5'-GGACTCCTGAACTTCCTGGATTTGATAAACATAATCAAGAGAGGACTCGAAAAAATTGTG[C>G]CTCTCCTTGTCCACCTGTAGGTCTGCCTGTAGAAGAAGGAAAACAAACATTACATATTGG-3'
Protein context (NP_002538.1, residues 161-181): QEADLQVDKE[Arg171Ser]HNFFESSLDY